The following is an entry in ClinVar:

ClinVar aggregate classification (germline): Likely benign. Review status: criteria provided, multiple submitters, no conflicts (2 of 4 stars). 2 submissions from 2 submitters: Likely benign (2). Last evaluated 2024-07-30.

Conditions:
Arrhythmogenic cardiomyopathy with wooly hair and keratoderma. Also called: Carvajal syndrome; Dilated cardiomyopathy with woolly hair and keratoderma; Arrhythmogenic cardiomyopathy with woolly hair and keratoderma; PALMOPLANTAR KERATODERMA WITH LEFT VENTRICULAR CARDIOMYOPATHY AND WOOLLY HAIR. Identifiers: Orphanet 65282, MedGen C1854063, MONDO:0011581, OMIM 605676.
Arrhythmogenic right ventricular dysplasia 8 (ARVD8). Also called: ARRHYTHMOGENIC RIGHT VENTRICULAR DYSPLASIA, FAMILIAL, 8; ARRHYTHMOGENIC RIGHT VENTRICULAR CARDIOMYOPATHY 8; Arrhythmogenic Right Ventricular Dysplasia/Cardiomyopathy 8. Identifiers: MedGen C1843896, MONDO:0011831, OMIM 607450.

Allele frequency attached by ClinVar (database versions not stated): gnomAD exomes below 0.00001 and 0.00001; gnomAD 0.00001; ExAC 0.00002.
gnomAD v4.1: 6 of 1,614,062 alleles (0.00037%); highest among the groups gnomAD compares: Non-Finnish European, 0.00051%; no homozygotes.

Submissions (2):

Labcorp Genetics (formerly Invitae), Labcorp
Classification: Likely benign for Arrhythmogenic cardiomyopathy with wooly hair and keratoderma; Arrhythmogenic right ventricular dysplasia 8. Last evaluated: 2024-07-30. Review status: criteria provided, single submitter. Criteria: Invitae Variant Classification Sherloc (09022015). Collection method: clinical testing. Allele origin: germline.

All of Us Research Program, National Institutes of Health
Classification: Likely benign for Arrhythmogenic cardiomyopathy with wooly hair and keratoderma. Last evaluated: 2023-12-13. Review status: criteria provided, single submitter. Criteria: ACMG Guidelines, 2015. Collection method: clinical testing. Allele origin: germline. Inheritance: Autosomal dominant inheritance. Observed: 1 variant allele, 1 heterozygote.
Comment: This study involves interpretation of variants in research participants for the purpose of population health screening. Participant phenotype was not available at the time of variant classification. Additional details can be found in publication PMID: 35346344, PMCID: PMC8962531

NM_004415.4(DSP):c.3249G>A (p.Lys1083=)

Gene: DSP (desmoplakin; plus strand). Cytogenetic location: 6p24.3.
Variant type: single nucleotide variant.
Coding change: c.3249G>A on transcript NM_004415.4 (MANE Select); coding-DNA position 3249, G replaced by A.
Protein change: p.Lys1083=; no amino-acid change (lysine 1083 retained).
Molecular consequence: synonymous variant.
Genome position (GRCh38, 1-based): chr6:7,579,439, G>A. VCF-style: chr6-7579439-G-A. GRCh37 (hg19) VCF-style: chr6-7579672-G-A.
Other names: c.3249G>A, p.Lys1083= (NM_001008844.3, NM_001319034.2).
Identifiers: ClinVar variation 792688 (VCV000792688.10), dbSNP rs764787427, ClinGen allele CA037576.